The following is an entry in ClinVar:

ClinVar aggregate classification (germline): Uncertain significance. Review status: criteria provided, multiple submitters, no conflicts (2 of 4 stars). 2 submissions from 2 submitters: Uncertain significance (2). Last evaluated 2023-04-05.

Conditions:
EPG5-related disorder. Also called: EPG5-related condition. Identifiers: MedGen CN381528.
Vici syndrome (VICIS). Identifiers: Orphanet 1493, MedGen C1855772, MONDO:0009452, OMIM 242840.

Allele frequency attached by ClinVar (database versions not stated): TOPMed below 0.00001; gnomAD exomes 0.00001.
gnomAD v4.1: 5 of 1,614,196 alleles (0.00031%); highest among the groups gnomAD compares: Non-Finnish European, 0.00042%; no homozygotes.

Submissions (2):

PreventionGenetics, part of Exact Sciences
Classification: Uncertain significance for EPG5-related condition. Last evaluated: 2023-04-05. Review status: criteria provided, single submitter. Criteria: ACMG Guidelines, 2015. Collection method: clinical testing. Allele origin: germline.
Comment: The EPG5 c.7474T>A variant is predicted to result in the amino acid substitution p.Phe2492Ile. To our knowledge, this variant has not been reported in the literature. A different substitution of this amino acid (p.Phe2492Cys) has been reported in the compound heterozygous state with a loss-of-function variant in an individual with Vici syndrome (van Diemen et al. 2017. PubMed ID: 28939701). The c.7474T>A (p.Phe2492Ile) variant is reported in 0.011% of alleles in individuals of African descent in gnomAD. Although we suspect that this variant may be pathogenic, at this time, the clinical significance of this variant is uncertain due to the absence of conclusive functional and genetic evidence.

Labcorp Genetics (formerly Invitae), Labcorp
Classification: Uncertain significance for Vici syndrome. Last evaluated: 2021-08-28. Review status: criteria provided, single submitter. Criteria: Invitae Variant Classification Sherloc (09022015). Collection method: clinical testing. Allele origin: germline.
Comment: This sequence change replaces phenylalanine with isoleucine at codon 2492 of the EPG5 protein (p.Phe2492Ile). The phenylalanine residue is moderately conserved and there is a small physicochemical difference between phenylalanine and isoleucine. This variant is not present in population databases (ExAC no frequency). This variant has not been reported in the literature in individuals affected with EPG5-related conditions. Algorithms developed to predict the effect of missense changes on protein structure and function are either unavailable or do not agree on the potential impact of this missense change (SIFT: "Tolerated"; PolyPhen-2: "Probably Damaging"; Align-GVGD: "Class C0"). In summary, the available evidence is currently insufficient to determine the role of this variant in disease. Therefore, it has been classified as a Variant of Uncertain Significance.

NM_020964.3(EPG5):c.7474T>A (p.Phe2492Ile)

Gene: EPG5 (ectopic P-granules 5 autophagy tethering factor; minus strand). Cytogenetic location: 18q12.3.
Variant type: single nucleotide variant.
Coding change: c.7474T>A on transcript NM_020964.3 (MANE Select); coding-DNA position 7474, T replaced by A.
Protein change: p.Phe2492Ile; replaces phenylalanine 2492 with isoleucine.
Molecular consequence: missense variant.
Genome position (GRCh38, 1-based): chr18:45,855,656, A>T on the plus strand (T>A on the coding strand, the complement: EPG5 is on the minus strand). VCF-style: chr18-45855656-A-T. GRCh37 (hg19) VCF-style: chr18-43435621-A-T.
Other names: short protein forms F2492I.
Identifiers: ClinVar variation 850666 (VCV000850666.8), dbSNP rs1374928586, ClinGen allele CA402335695.